The following is an entry in ClinVar:

NM_000238.4(KCNH2):c.39C>T (p.Thr13=)

Gene: KCNH2 (potassium voltage-gated channel subfamily H member 2; minus strand). Cytogenetic location: 7q36.1.
Variant type: single nucleotide variant.
Coding change: c.39C>T on transcript NM_000238.4 (MANE Select); coding-DNA position 39, C replaced by T.
Protein change: p.Thr13=; no amino-acid change (threonine 13 retained).
Molecular consequence: synonymous variant. On other transcripts: non-coding transcript variant (1).
Genome position (GRCh38, 1-based): chr7:150,977,875, G>A on the plus strand (C>T on the coding strand, the complement: KCNH2 is on the minus strand). VCF-style: chr7-150977875-G-A. GRCh37 (hg19) VCF-style: chr7-150674963-G-A.
Other names: c.39C>T, p.Thr13= (NM_172056.3).
Identifiers: ClinVar variation 1131821 (VCV001131821.9), dbSNP rs776189512, ClinGen allele CA039306.

ClinVar aggregate classification (germline): Likely benign. Review status: criteria provided, multiple submitters, no conflicts (2 of 4 stars). 3 submissions from 3 submitters: Likely benign (3). Last evaluated 2024-07-16.

Conditions:
Long QT syndrome (LQTS). Identifiers: MedGen C0023976, MeSH D008133, MONDO:0002442. Disease mechanism: loss of function. Inheritance: Various modes of inheritance.

Allele frequency attached by ClinVar (database versions not stated): ExAC 0.00002; gnomAD exomes 0.00002 and 0.00004.
gnomAD v4.1: 62 of 1,600,328 alleles (0.0039%); highest among the groups gnomAD compares: Non-Finnish European, 0.0052%; no homozygotes.

Submissions (3):

Labcorp Genetics (formerly Invitae), Labcorp
Classification: Likely benign for Long QT syndrome. Last evaluated: 2024-07-16. Review status: criteria provided, single submitter. Criteria: Invitae Variant Classification Sherloc (09022015). Collection method: clinical testing. Allele origin: germline.

All of Us Research Program, National Institutes of Health
Classification: Likely benign for Long QT syndrome. Last evaluated: 2023-12-13. Review status: criteria provided, single submitter. Criteria: ACMG Guidelines, 2015. Collection method: clinical testing. Allele origin: germline. Inheritance: Autosomal dominant inheritance. Observed: 3 variant alleles, 3 heterozygotes.
Comment: This study involves interpretation of variants in research participants for the purpose of population health screening. Participant phenotype was not available at the time of variant classification. Additional details can be found in publication PMID: 35346344, PMCID: PMC8962531

Blueprint Genetics
Classification: Likely benign. Last evaluated: 2021-02-04. Review status: criteria provided, single submitter. Criteria: ACMG Guidelines, 2015. Collection method: clinical testing. Allele origin: germline.